The following is an entry in ClinVar:

ClinVar aggregate classification (germline): Pathogenic (1 of 4 stars; one submission).

Submission:

Labcorp Genetics (formerly Invitae), Labcorp
Classification: Pathogenic. Last evaluated: 2023-10-17. Review status: criteria provided, single submitter. Criteria: Invitae Variant Classification Sherloc (09022015). Collection method: clinical testing. Allele origin: germline.
Comment: This sequence change creates a premature translational stop signal (p.Leu1458Tyrfs*44) in the UBR1 gene. It is expected to result in an absent or disrupted protein product. Loss-of-function variants in UBR1 are known to be pathogenic (PMID: 24599544). This variant is not present in population databases (gnomAD no frequency). This variant has not been reported in the literature in individuals affected with UBR1-related conditions. For these reasons, this variant has been classified as Pathogenic.

Literature cited by the submitters: PubMed 24599544.

NM_174916.3(UBR1):c.4372del (p.Leu1458fs)

Gene: UBR1 (ubiquitin protein ligase E3 component n-recognin 1; minus strand). Cytogenetic location: 15q15.2.
Variant type: Deletion.
Coding change: c.4372del on transcript NM_174916.3 (MANE Select); coding-DNA position 4372, one base deleted (C; older notation c.4372delC).
Protein change: p.Leu1458fs; shifts the reading frame from leucine 1458.
Molecular consequence: frameshift variant.
Genome position (GRCh38, 1-based): chr15:42,970,605, G deleted on the plus strand (C on the coding strand, the reverse complement: UBR1 is on the minus strand); the first of 2 consecutive G bases (chr15:42,970,605-42,970,606); deleting either gives the same sequence. VCF-style (leftmost placement, unchanged base first): chr15-42970604-AG-A. GRCh37 (hg19) VCF-style: chr15-43262802-AG-A.
Other names: short protein forms L1458fs.
Identifiers: ClinVar variation 2760818 (VCV002760818.3), dbSNP rs2542908777, ClinGen allele CA2697554375.
Genomic context (GRCh38, chr15:42,970,604, plus strand): 5'-GCAAAGAAAGAAGATGCGGAATGAGCCTCTTCACTGTCTTCTTGAACCTGAGCAAGGGGT[AG>A]GCCTGAAAAAGAAATTCTGCAAGATGAATTATGTATTTGCTATTCAGTTTACAAATTAGA-3'